The following is an entry in ClinVar:

NM_182643.3(DLC1):c.4542C>T (p.Ser1514=)

Gene: DLC1 (DLC1 Rho GTPase activating protein; minus strand). Cytogenetic location: 8p22.
Variant type: single nucleotide variant.
Coding change: c.4542C>T on transcript NM_182643.3 (MANE Select); coding-DNA position 4542, C replaced by T.
Protein change: p.Ser1514=; no amino-acid change (serine 1514 retained).
Molecular consequence: synonymous variant. On other transcripts: intron variant (1).
Genome position (GRCh38, 1-based): chr8:13,085,856, G>A on the plus strand (C>T on the coding strand, the complement: DLC1 is on the minus strand). VCF-style: chr8-13085856-G-A. GRCh37 (hg19) VCF-style: chr8-12943365-G-A.
Other names: c.3009C>T, p.Ser1003= (NM_001164271.2, NM_001348082.2, NM_001348083.1 and 6 more transcripts); c.3333C>T, p.Ser1111= (NM_001316668.2); c.4542C>T, p.Ser1514= (NM_001348081.2, NM_001413124.1); c.3114C>T, p.Ser1038= (NM_001413129.1); c.3324C>T, p.Ser1108= (NM_001413130.1); c.2982C>T, p.Ser994= (NM_001413131.1, NM_001413137.1); c.3468C>T, p.Ser1156= (NM_001413132.1); c.3231C>T, p.Ser1077= (NM_001413135.1, NM_006094.5); and 3 more.
Identifiers: ClinVar variation 3057869 (VCV003057869.3), dbSNP rs144090028, ClinGen allele CA4637877.
Genomic context (GRCh38, chr8:13,085,856, plus strand): 5'-GCGTTGCTTCAGTGATCACCTAGATTTGGTGTCTTTGGTTTCAGTGTTCTGGTTACTGAA[G>A]GAATCCCGGATCTTTACAACTTCAGCTGCACACAAATGTCCAAAAGATTTTGTGTACCAT-3'
Protein context (NP_872584.2, residues 1504-1524): CAAEVVKIRD[Ser1514=]FSNQNTETKD

ClinVar aggregate classification (germline): Likely benign. Review status: criteria provided, single submitter (1 of 4 stars). 2 submissions from 2 submitters: Likely benign (1). 1 of the submissions does not count toward it. Last evaluated 2025-11-05.

Conditions:
DLC1-related disorder. Also called: DLC1-related condition.

Allele frequency attached by ClinVar (database versions not stated): gnomAD exomes 0.00003; ExAC 0.00015; ESP Exome Variant Server 0.00023; TOPMed 0.00042; gnomAD 0.00043; 1000 Genomes Project 30x 0.00094; 1000 Genomes Project 0.00120.
gnomAD v4.1: 117 of 1,614,154 alleles (0.0072%); highest among the groups gnomAD compares: African/African-American, 0.15%; no homozygotes.

Submissions (2):

Labcorp Genetics (formerly Invitae), Labcorp
Classification: Likely benign. Last evaluated: 2025-11-05. Review status: criteria provided, single submitter. Criteria: Invitae Variant Classification Sherloc (09022015). Collection method: clinical testing. Allele origin: germline.

PreventionGenetics, part of Exact Sciences
Classification: Likely benign for DLC1-related condition. Last evaluated: 2019-03-26. Review status: no assertion criteria provided. Collection method: clinical testing. Allele origin: germline. Not counted in ClinVar's aggregate classification.
Comment: This variant is classified as likely benign based on ACMG/AMP sequence variant interpretation guidelines (Richards et al. 2015 PMID: 25741868, with internal and published modifications).